The following is an entry in ClinVar:

NM_001375834.1(WIPF1):c.1124G>A (p.Arg375Gln)

Gene: WIPF1 (WAS/WASL interacting protein family member 1; minus strand). Cytogenetic location: 2q31.1.
Variant type: single nucleotide variant.
Coding change: c.1124G>A on transcript NM_001375834.1 (MANE Select); coding-DNA position 1124, G replaced by A.
Protein change: p.Arg375Gln; replaces arginine 375 with glutamine.
Molecular consequence: missense variant.
Genome position (GRCh38, 1-based): chr2:174,571,681, C>T on the plus strand (G>A on the coding strand, the complement: WIPF1 is on the minus strand). VCF-style: chr2-174571681-C-T. GRCh37 (hg19) VCF-style: chr2-175436409-C-T.
Other names: c.1124G>A, p.Arg375Gln (NM_001077269.1, NM_001375832.1, NM_001375833.1 and 5 more transcripts); c.746G>A, p.Arg249Gln (NM_001375839.1); short protein forms R249Q, R375Q.
Identifiers: ClinVar variation 4809586 (VCV004809586.1).
Genomic context (GRCh38, chr2:174,571,681, plus strand): 5'-GGTACATTTGGGCAGGCTGGGTTTTGGAAGCAACTCACTCCACGTCTTGTCATACCTGAT[C>T]GGCCTGGCGGGTCCCTCACTGGAGGTGGGGGTCTCTCACTGGGCGGGGGAGGAAGAGGAC-3'
Protein context (NP_001362763.1, residues 365-385): PPPPVRDPPG[Arg375Gln]SGPLPPPPPV

ClinVar aggregate classification (germline): Uncertain significance (1 of 4 stars; one submission).

Conditions:
Wiskott-Aldrich syndrome 2 (WAS2). Also called: WIPF1 DEFICIENCY. Identifiers: Orphanet 906, MedGen C3281001, MONDO:0013779, OMIM 614493.

gnomAD v4.1: 1 of 1,614,174 alleles (0.000062%); highest among the groups gnomAD compares: Non-Finnish European, 0.000085%; no homozygotes.

Submission:

Labcorp Genetics (formerly Invitae), Labcorp
Classification: Uncertain significance for Wiskott-Aldrich syndrome 2. Last evaluated: 2025-12-15. Review status: criteria provided, single submitter. Criteria: Invitae Variant Classification Sherloc (09022015). Collection method: clinical testing. Allele origin: germline.
Comment: This sequence change replaces arginine, which is basic and polar, with glutamine, which is neutral and polar, at codon 375 of the WIPF1 protein (p.Arg375Gln). This variant is not present in population databases (gnomAD no frequency). This variant has not been reported in the literature in individuals affected with WIPF1-related conditions. An algorithm developed to predict the effect of missense changes on protein structure and function (PolyPhen-2) suggests that this variant is likely to be disruptive. In summary, the available evidence is currently insufficient to determine the role of this variant in disease. Therefore, it has been classified as a Variant of Uncertain Significance.